The following is an entry in ClinVar:

ClinVar aggregate classification (germline): Uncertain significance (1 of 4 stars; one submission).

Allele frequency attached by ClinVar (database versions not stated): gnomAD exomes below 0.00001; gnomAD 0.00001.
gnomAD v4.1: 4 of 1,377,314 alleles (0.00029%); highest among the groups gnomAD compares: Non-Finnish European, 0.00038%; no homozygotes.

Submission:

Labcorp Genetics (formerly Invitae), Labcorp
Classification: Uncertain significance. Last evaluated: 2022-03-16. Review status: criteria provided, single submitter. Criteria: Invitae Variant Classification Sherloc (09022015). Collection method: clinical testing. Allele origin: germline.
Comment: This sequence change falls in intron 5 of the PYROXD1 gene. It does not directly change the encoded amino acid sequence of the PYROXD1 protein. This variant is not present in population databases (gnomAD no frequency). This variant has not been reported in the literature in individuals affected with PYROXD1-related conditions. Algorithms developed to predict the effect of sequence changes on RNA splicing suggest that this variant may disrupt the consensus splice site. In summary, the available evidence is currently insufficient to determine the role of this variant in disease. Therefore, it has been classified as a Variant of Uncertain Significance.

NM_024854.5(PYROXD1):c.489-9T>A

Gene: PYROXD1 (pyridine nucleotide-disulphide oxidoreductase domain 1; plus strand). Cytogenetic location: 12p12.1.
Variant type: single nucleotide variant.
Coding change: c.489-9T>A on transcript NM_024854.5 (MANE Select); 9 bases into the intron before coding-DNA position 489, T replaced by A.
Molecular consequence: intron variant.
Genome position (GRCh38, 1-based): chr12:21,455,123, T>A. VCF-style: chr12-21455123-T-A. GRCh37 (hg19) VCF-style: chr12-21608057-T-A.
Other names: c.-289-9T>A (NM_001350913.2); c.276-9T>A (NM_001350912.2).
Identifiers: ClinVar variation 1952540 (VCV001952540.5), dbSNP rs936339871, ClinGen allele CA945478603.